The following is an entry in ClinVar:

ClinVar aggregate classification (germline): Uncertain significance (1 of 4 stars; one submission).

Allele frequency attached by ClinVar (database versions not stated): gnomAD exomes below 0.00001; gnomAD 0.00001.
gnomAD v4.1: 2 of 1,613,922 alleles (0.00012%); highest among the groups gnomAD compares: African/African-American, 0.0027%; no homozygotes.

Submission:

GeneDx
Classification: Uncertain significance. Last evaluated: 2023-05-03. Review status: criteria provided, single submitter. Criteria: GeneDx Variant Classification Process June 2021. Collection method: clinical testing. Allele origin: germline. Affected: yes.
Comment: Not observed at significant frequency in large population cohorts (gnomAD); In silico analysis supports that this missense variant does not alter protein structure/function; This variant is associated with the following publications: (PMID: 30741402)

NM_018941.4(CLN8):c.80T>C (p.Leu27Pro)

Gene: CLN8 (CLN8 transmembrane ER and ERGIC protein; plus strand). Cytogenetic location: 8p23.3.
Variant type: single nucleotide variant.
Coding change: c.80T>C on transcript NM_018941.4 (MANE Select); coding-DNA position 80, T replaced by C.
Protein change: p.Leu27Pro; replaces leucine 27 with proline.
Molecular consequence: missense variant.
Genome position (GRCh38, 1-based): chr8:1,771,134, T>C. VCF-style: chr8-1771134-T-C. GRCh37 (hg19) VCF-style: chr8-1719300-T-C.
Other names: short protein forms L27P.
Identifiers: ClinVar variation 2663133 (VCV002663133.1), dbSNP rs1801283486, ClinGen allele CA369952831.